The following is an entry in ClinVar:

ClinVar aggregate classification (germline): Pathogenic (1 of 4 stars; one submission).

Conditions:
Mucopolysaccharidosis, MPS-II (MPS2). Also called: Hunter Syndrome; IDURONATE 2-SULFATASE DEFICIENCY; Mucopolysaccharidosis Type II; Mucopolysaccharidosis type 2; Attenuated MPS (subtype; formerly known as mild MPS II); Severe MPS II. Identifiers: Orphanet 580, Orphanet 79388, MedGen C0026705, MONDO:0010674, OMIM 309900.

Submission:

Laboratory of Diagnosis and Therapy of Lysosomal Disorders, University of Padova
Classification: Pathogenic for Mucopolysaccharidosis, MPS-II. Last evaluated: 2024-06-07. Review status: criteria provided, single submitter. Criteria: ACMG Guidelines, 2015. Collection method: literature only. Allele origin: germline. Affected: yes. Observed: 1 variant allele.
Comment: Null variant (PVS1_Strong), De novo (PS2_Strong), Absent from controls (or at low frequency) in gnomAD database (PM2_Moderate), Patient’s phenotype or family history highly specific for the disease (PP4_Strong)

Classification method: ACMG Guidelines [PMID:25741868] with modifications

Literature cited by the submitters: PubMed 35005816.

NM_000202.8(IDS):c.1611del (p.Asn537fs)

Gene: IDS (iduronate 2-sulfatase; minus strand). Cytogenetic location: Xq28.
Variant type: Deletion.
Coding change: c.1611del on transcript NM_000202.8 (MANE Select); coding-DNA position 1611, one base deleted (T; older notation c.1611delT).
Protein change: p.Asn537fs; shifts the reading frame from asparagine 537.
Molecular consequence: frameshift variant.
Genome position (GRCh38, 1-based): chrX:149,482,788, A deleted on the plus strand (T on the coding strand, the reverse complement: IDS is on the minus strand). VCF-style (leftmost placement, unchanged base first): chrX-149482787-CA-C. GRCh37 (hg19) VCF-style: chrX-148564318-CA-C.
Other names: c.1341del, p.Asn447fs (NM_001166550.4); short protein forms N447fs, N537fs.
Identifiers: ClinVar variation 3256095 (VCV003256095.2).